The following is an entry in ClinVar:

ClinVar aggregate classification (germline): Uncertain significance (1 of 4 stars; one submission).

Allele frequency attached by ClinVar (database versions not stated): ExAC 0.00001; TOPMed 0.00001; gnomAD exomes 0.00001; gnomAD 0.00001.

Submission:

Labcorp Genetics (formerly Invitae), Labcorp
Classification: Uncertain significance. Last evaluated: 2025-10-23. Review status: criteria provided, single submitter. Criteria: Invitae Variant Classification Sherloc (09022015). Collection method: clinical testing. Allele origin: germline.
Comment: This sequence change replaces isoleucine, which is neutral and non-polar, with valine, which is neutral and non-polar, at codon 624 of the VAV1 protein (p.Ile624Val). This variant is present in population databases (rs757014068, gnomAD 0.006%). This variant has not been reported in the literature in individuals affected with VAV1-related conditions. ClinVar contains an entry for this variant (Variation ID: 2086629). An algorithm developed to predict the effect of missense changes on protein structure and function (PolyPhen-2) suggests that this variant is likely to be tolerated. In summary, the available evidence is currently insufficient to determine the role of this variant in disease. Therefore, it has been classified as a Variant of Uncertain Significance.

NM_005428.4(VAV1):c.1870A>G (p.Ile624Val)

Gene: VAV1 (vav guanine nucleotide exchange factor 1; plus strand). Cytogenetic location: 19p13.3.
Variant type: single nucleotide variant.
Coding change: c.1870A>G on transcript NM_005428.4 (MANE Select); coding-DNA position 1870, A replaced by G.
Protein change: p.Ile624Val; replaces isoleucine 624 with valine.
Molecular consequence: missense variant.
Genome position (GRCh38, 1-based): chr19:6,836,524, A>G. VCF-style: chr19-6836524-A-G. GRCh37 (hg19) VCF-style: chr19-6836535-A-G.
Other names: c.1870A>G, p.Ile624Val (NM_001258206.2); c.1774A>G, p.Ile592Val (NM_001258207.2); short protein forms I592V, I624V.
Identifiers: ClinVar variation 2086629 (VCV002086629.4), dbSNP rs757014068, ClinGen allele CA9132764.
Genomic context (GRCh38, chr19:6,836,524, plus strand): 5'-TACGGGCTTCCTCCACCCCCTGGAGCCATTGGACCCTTTCTACGGCTCAACCCTGGAGAC[A>G]TTGTGGAGCTCACGAAGGCTGAGGCTGAACAGAACTGGTGGGAGGTACAGGCTGGGGCCA-3'
Protein context (NP_005419.2, residues 614-634): GPFLRLNPGD[Ile624Val]VELTKAEAEQ